The following is an entry in ClinVar:

ClinVar aggregate classification (germline): Likely benign (1 of 4 stars; one submission).

Submission:

CeGaT Center for Human Genetics Tuebingen
Classification: Likely benign. Last evaluated: 2025-12-01. Review status: criteria provided, single submitter. Criteria: CeGaT Center For Human Genetics Tuebingen Variant Classification Criteria Version 2. Collection method: clinical testing. Allele origin: germline. Affected: yes. Observed: 1 variant allele.
Comment: DNAH3: PM2:Supporting, BP4, BP7

NM_001347886.2(DNAH3):c.9381A>G (p.Thr3127=)

Gene: DNAH3 (dynein axonemal heavy chain 3; minus strand). Cytogenetic location: 16p12.3.
Variant type: single nucleotide variant.
Coding change: c.9381A>G on transcript NM_001347886.2 (MANE Select); coding-DNA position 9381, A replaced by G.
Protein change: p.Thr3127=; no amino-acid change (threonine 3127 retained).
Molecular consequence: synonymous variant.
Genome position (GRCh38, 1-based): chr16:20,964,365, T>C on the plus strand (A>G on the coding strand, the complement: DNAH3 is on the minus strand). VCF-style: chr16-20964365-T-C. GRCh37 (hg19) VCF-style: chr16-20975687-T-C.
Other names: c.9519A>G, p.Thr3173= (NM_017539.2).
Identifiers: ClinVar variation 4681885 (VCV004681885.5).